The following is an entry in ClinVar:

ClinVar aggregate classification (germline): Pathogenic. Review status: criteria provided, multiple submitters, no conflicts (2 of 4 stars). 3 submissions from 3 submitters: Pathogenic (3). Last evaluated 2023-08-22.

Conditions:
Ataxia-telangiectasia syndrome (AT). Also called: Ataxia-telangiectasia; LOUIS-BAR SYNDROME; Ataxia-telangiectasia, complementation group D; AT, COMPLEMENTATION GROUP C; ATAXIA-TELANGIECTASIA, COMPLEMENTATION GROUP A; ATAXIA-TELANGIECTASIA, FRESNO VARIANT. Identifiers: Orphanet 100, MedGen C0004135, MONDO:0008840, OMIM 208900.
Familial cancer of breast. Also called: BREAST CANCER, FAMILIAL; Hereditary breast cancer; hereditary breast carcinoma. Identifiers: Orphanet 227535, MedGen C0346153, MONDO:0016419, OMIM 114480. Disease mechanism: loss of function.
Hereditary cancer-predisposing syndrome. Also called: Tumor predisposition; Neoplastic Syndromes, Hereditary; Hereditary Cancer Syndrome; Hereditary neoplastic syndrome. Identifiers: Orphanet 140162, MedGen C0027672, MeSH D009386, MONDO:0015356.

Submissions (3):

Myriad Genetics, Inc.
Classification: Pathogenic for Familial cancer of breast. Last evaluated: 2023-08-22. Review status: criteria provided, single submitter. Criteria: Myriad Autosomal Dominant, Autosomal Recessive and X-Linked Classification Criteria (2023). Collection method: clinical testing. Allele origin: unknown.
Comment: This variant is considered pathogenic. This variant creates a frameshift predicted to result in premature protein truncation.

Labcorp Genetics (formerly Invitae), Labcorp
Classification: Pathogenic for Ataxia-telangiectasia syndrome. Last evaluated: 2021-03-06. Review status: criteria provided, single submitter. Criteria: Invitae Variant Classification Sherloc (09022015). Collection method: clinical testing. Allele origin: germline.
Comment: For these reasons, this variant has been classified as Pathogenic. This variant has not been reported in the literature in individuals with ATM-related conditions. This variant is not present in population databases (ExAC no frequency). This sequence change creates a premature translational stop signal (p.Arg2712Thrfs*4) in the ATM gene. It is expected to result in an absent or disrupted protein product. Loss-of-function variants in ATM are known to be pathogenic (PMID: 23807571, 25614872).

Ambry Genetics
Classification: Pathogenic for Hereditary cancer-predisposing syndrome. Last evaluated: 2019-07-17. Review status: criteria provided, single submitter. Criteria: Ambry Variant Classification Scheme 2023. Collection method: clinical testing. Allele origin: germline.
Comment: The c.8135_8139delGGAGA pathogenic mutation, located in coding exon 54 of the ATM gene, results from a deletion of 5 nucleotides at nucleotide positions 8135 to 8139, causing a translational frameshift with a predicted alternate stop codon (p.R2712Tfs*4). This alteration is expected to result in loss of function by premature protein truncation or nonsense-mediated mRNA decay. As such, this alteration is interpreted as a disease-causing mutation.

Literature cited by the submitters: PubMed 23807571 (cited by Labcorp Genetics (formerly Invitae), Labcorp); PubMed 25614872 (cited by Labcorp Genetics (formerly Invitae), Labcorp).

NM_000051.4(ATM):c.8135_8139del (p.Arg2712fs)

Genes: ATM (ATM serine/threonine kinase; plus strand), C11orf65 (chromosome 11 open reading frame 65; minus strand). Cytogenetic location: 11q22.3.
Variant type: Microsatellite.
Coding change: c.8135_8139del on transcript NM_000051.4 (MANE Select); coding-DNA positions 8135 to 8139, 5 bases deleted (GGAGA; older notation c.8135_8139delGGAGA).
Protein change: p.Arg2712fs; shifts the reading frame from arginine 2712.
Molecular consequence: frameshift variant. On other transcripts: intron variant (2).
Genome position (GRCh38, 1-based): chr11:108,335,093-108,335,097, GGAGA deleted; deleting any 5 consecutive bases within chr11:108,335,087-108,335,097 gives the same sequence; the c. name uses the placement nearest the transcript's 3' end. VCF-style (leftmost placement, unchanged base first): chr11-108335086-AAGGAG-A. GRCh37 (hg19) VCF-style: chr11-108205813-AAGGAG-A.
Other names: c.8135_8139delGGAGA (NM_000051.3); c.8135_8139del, p.Arg2712fs (NM_001351834.2); c.641-26020_641-26016del (NM_001330368.2); c.*38+129_*38+133del (NM_001351110.2); short protein forms R2712fs.
Identifiers: ClinVar variation 1398798 (VCV001398798.10), dbSNP rs2136663735, ClinGen allele CA2580615064.